The following is an entry in ClinVar:

NM_001242896.3(DEPDC5):c.358A>T (p.Ser120Cys)

Gene: DEPDC5 (DEP domain containing 5, GATOR1 subcomplex subunit; plus strand). Cytogenetic location: 22q12.2.
Variant type: single nucleotide variant.
Coding change: c.358A>T on transcript NM_001242896.3 (MANE Select); coding-DNA position 358, A replaced by T.
Protein change: p.Ser120Cys; replaces serine 120 with cysteine.
Molecular consequence: missense variant. On other transcripts: non-coding transcript variant (5), intron variant (2).
Genome position (GRCh38, 1-based): chr22:31,766,663, A>T. VCF-style: chr22-31766663-A-T. GRCh37 (hg19) VCF-style: chr22-32162649-A-T.
Other names: c.358A>T, p.Ser120Cys (NM_001007188.4, NM_001136029.4, NM_001242897.2 and 7 more transcripts); c.279+1603A>T (NM_001369902.1, NM_001369901.1); short protein forms S120C.
Identifiers: ClinVar variation 2850721 (VCV002850721.3), dbSNP rs2517947639, ClinGen allele CA411282593.

ClinVar aggregate classification (germline): Uncertain significance (1 of 4 stars; one submission).

Conditions:
Familial focal epilepsy with variable foci (FPEVF). Identifiers: Orphanet 98820, MedGen C1858477, MONDO:0020310.

Submission:

Labcorp Genetics (formerly Invitae), Labcorp
Classification: Uncertain significance for Familial focal epilepsy with variable foci. Last evaluated: 2023-03-29. Review status: criteria provided, single submitter. Criteria: Invitae Variant Classification Sherloc (09022015). Collection method: clinical testing. Allele origin: germline.
Comment: This sequence change replaces serine, which is neutral and polar, with cysteine, which is neutral and slightly polar, at codon 120 of the DEPDC5 protein (p.Ser120Cys). This variant is not present in population databases (gnomAD no frequency). This variant has not been reported in the literature in individuals affected with DEPDC5-related conditions. Experimental studies and prediction algorithms are not available or were not evaluated, and the functional significance of this variant is currently unknown. In summary, the available evidence is currently insufficient to determine the role of this variant in disease. Therefore, it has been classified as a Variant of Uncertain Significance.